The following is an entry in ClinVar:

NM_172107.4(KCNQ2):c.1742del (p.Arg581fs)

Gene: KCNQ2 (potassium voltage-gated channel subfamily Q member 2; minus strand). Cytogenetic location: 20q13.33.
Variant type: Deletion.
Coding change: c.1742del on transcript NM_172107.4 (MANE Select); coding-DNA position 1742, one base deleted (G; older notation c.1742delG).
Protein change: p.Arg581fs; shifts the reading frame from arginine 581.
Molecular consequence: frameshift variant.
Genome position (GRCh38, 1-based): chr20:63,413,471, C deleted on the plus strand (G on the coding strand, the reverse complement: KCNQ2 is on the minus strand). VCF-style (leftmost placement, unchanged base first): chr20-63413470-TC-T. GRCh37 (hg19) VCF-style: chr20-62044823-TC-T.
Other names: c.1688del, p.Arg563fs (NM_001382235.1, NM_172106.3); c.1685del, p.Arg562fs (NM_001439003.1); c.1655del, p.Arg552fs (NM_001439004.1); c.1658del, p.Arg553fs (NM_004518.6); c.1649del, p.Arg550fs (NM_172108.5); short protein forms R563fs, R550fs, R553fs, R562fs, R552fs, R581fs.
Identifiers: ClinVar variation 4729723 (VCV004729723.1).
Genomic context (GRCh38, chr20:63,413,470, plus strand): 5'-CGTTCTTGTCCCCTGCTGGACAGGCAGGCGGGGCTCTTGCCTGGACTGCAGGCTCTTAAT[TC>T]GGGACAGCATGTCCAGGTGGCCGGCTGAGTACTGCTCGATGACGTCCATCACGTCGTAGG-3'

ClinVar aggregate classification (germline): Pathogenic (1 of 4 stars; one submission).

Conditions:
Early-infantile DEE. Also called: Early infantile epileptic encephalopathy; Early infantile epileptic encephalopathy with suppression bursts; Ohtahara syndrome. Identifiers: Orphanet 1934, MedGen C0393706, MONDO:0800491.

Submission:

Labcorp Genetics (formerly Invitae), Labcorp
Classification: Pathogenic for Early-infantile DEE. Last evaluated: 2025-10-23. Review status: criteria provided, single submitter. Criteria: Invitae Variant Classification Sherloc (09022015). Collection method: clinical testing. Allele origin: germline.
Comment: This sequence change creates a premature translational stop signal (p.Arg581Glnfs*39) in the KCNQ2 gene. While this is not anticipated to result in nonsense mediated decay, it is expected to disrupt the last 292 amino acid(s) of the KCNQ2 protein. This variant is not present in population databases (gnomAD no frequency). This variant has not been reported in the literature in individuals affected with KCNQ2-related conditions. This variant disrupts a region of the KCNQ2 protein in which other variant(s) (p.Lys829Serfs*35) have been determined to be pathogenic (internal data). This suggests that this is a clinically significant region of the protein, and that variants that disrupt it are likely to be disease-causing. For these reasons, this variant has been classified as Pathogenic.